The following is an entry in ClinVar:

ClinVar aggregate classification (germline): Uncertain significance (1 of 4 stars; one submission).

Conditions:
Kabuki syndrome. Also called: Kabuki make-up syndrome; NIIKAWA-KUROKI SYNDROME. Identifiers: Orphanet 2322, MedGen C0796004, MONDO:0016512.

Allele frequency attached by ClinVar (database versions not stated): gnomAD exomes below 0.00001.
gnomAD v4.1: 1 of 1,614,014 alleles (0.000062%); highest among the groups gnomAD compares: South Asian, 0.0011%; no homozygotes.

Submission:

Labcorp Genetics (formerly Invitae), Labcorp
Classification: Uncertain significance for Kabuki syndrome. Last evaluated: 2023-10-23. Review status: criteria provided, single submitter. Criteria: Invitae Variant Classification Sherloc (09022015). Collection method: clinical testing. Allele origin: germline.
Comment: This sequence change replaces isoleucine, which is neutral and non-polar, with threonine, which is neutral and polar, at codon 2638 of the KMT2D protein (p.Ile2638Thr). This variant is not present in population databases (gnomAD no frequency). This variant has not been reported in the literature in individuals affected with KMT2D-related conditions. Advanced modeling of protein sequence and biophysical properties (such as structural, functional, and spatial information, amino acid conservation, physicochemical variation, residue mobility, and thermodynamic stability) performed at Invitae indicates that this missense variant is not expected to disrupt KMT2D protein function with a negative predictive value of 95%. In summary, the available evidence is currently insufficient to determine the role of this variant in disease. Therefore, it has been classified as a Variant of Uncertain Significance.

NM_003482.4(KMT2D):c.7913T>C (p.Ile2638Thr)

Gene: KMT2D (lysine methyltransferase 2D; minus strand). Cytogenetic location: 12q13.12.
Variant type: single nucleotide variant.
Coding change: c.7913T>C on transcript NM_003482.4 (MANE Select); coding-DNA position 7913, T replaced by C.
Protein change: p.Ile2638Thr; replaces isoleucine 2638 with threonine.
Molecular consequence: missense variant.
Genome position (GRCh38, 1-based): chr12:49,039,857, A>G on the plus strand (T>C on the coding strand, the complement: KMT2D is on the minus strand). VCF-style: chr12-49039857-A-G. GRCh37 (hg19) VCF-style: chr12-49433640-A-G.
Other names: short protein forms I2638T.
Identifiers: ClinVar variation 2819017 (VCV002819017.3), dbSNP rs2120518228, ClinGen allele CA384746482.